The following is an entry in ClinVar:

NM_001527.4(HDAC2):c.323T>C (p.Phe108Ser)

Gene: HDAC2 (histone deacetylase 2; minus strand). Cytogenetic location: 6q21.
Variant type: single nucleotide variant.
Coding change: c.323T>C on transcript NM_001527.4 (MANE Select); coding-DNA position 323, T replaced by C.
Protein change: p.Phe108Ser; replaces phenylalanine 108 with serine.
Molecular consequence: missense variant. On other transcripts: non-coding transcript variant (2).
Genome position (GRCh38, 1-based): chr6:113,956,654, A>G on the plus strand (T>C on the coding strand, the complement: HDAC2 is on the minus strand). VCF-style: chr6-113956654-A-G. GRCh37 (hg19) VCF-style: chr6-114277818-A-G.
Other names: short protein forms F108S.
Identifiers: ClinVar variation 992209 (VCV000992209.1), dbSNP rs1776561501, ClinGen allele CA365525987.
Genomic context (GRCh38, chr6:113,956,654, plus strand): 5'-TAAATCTGATTGCATTAGCACTTACCAACTGAACCGCCAGTTGAGAGCTGACAAAACTCA[A>G]AGAGTCCATCAAACACTGGACAATCTTCTCCAACATTAACTGTGGAAGATGGATTTCATT-3'
Protein context (NP_001518.3, residues 98-118): GEDCPVFDGL[Phe108Ser]EFCQLSTGGS

ClinVar aggregate classification (germline): Uncertain significance (1 of 4 stars; one submission).

Allele frequency attached by ClinVar (database versions not stated): gnomAD exomes below 0.00001.
gnomAD v4.1: 4 of 1,613,386 alleles (0.00025%); highest among the groups gnomAD compares: Non-Finnish European, 0.00025%; no homozygotes.

Submission:

Women's Health and Genetics/Laboratory Corporation of America, LabCorp
Classification: Uncertain significance. Last evaluated: 2020-12-11. Review status: criteria provided, single submitter. Criteria: LabCorp Variant Classification Summary - May 2015. Collection method: clinical testing. Allele origin: germline.
Comment: Variant summary: HDAC2 c.323T>C (p.Phe108Ser) results in a non-conservative amino acid change located in the Histone deacetylase domain of the encoded protein sequence. Three of five in-silico tools predict a damaging effect of the variant on protein function. The variant was absent in 249212 control chromosomes (gnomAD). The available data on variant occurrences in the general population are insufficient to allow any conclusion about variant significance. To our knowledge, no occurrence of c.323T>C in individuals affected with HDAC2-Related Disorders and no experimental evidence demonstrating its impact on protein function have been reported. No clinical diagnostic laboratories have submitted clinical-significance assessments for this variant to ClinVar after 2014. Based on the evidence outlined above, the variant was classified as uncertain significance.